The following is an entry in ClinVar:

NM_001082486.2(ACD):c.359dup (p.Asp121fs)

Gene: ACD (ACD shelterin complex subunit and telomerase recruitment factor; minus strand). Cytogenetic location: 16q22.1.
Variant type: Duplication.
Coding change: c.359dup on transcript NM_001082486.2 (MANE Select); coding-DNA position 359, one base duplicated (T; older notation c.359dupT).
Protein change: p.Asp121fs; shifts the reading frame from aspartic acid 121.
Molecular consequence: frameshift variant.
Genome position (GRCh38, 1-based): chr16:67,659,591, A duplicated on the plus strand (T on the coding strand, the reverse complement: ACD is on the minus strand). VCF-style (leftmost placement, unchanged base first): chr16-67659590-C-CA. GRCh37 (hg19) VCF-style: chr16-67693493-C-CA.
Other names: c.359dup, p.Asp121Glyfs (NM_001410884.1); c.350dup, p.Asp118fs (NM_022914.3); short protein forms D118fs, D121fs.
Identifiers: ClinVar variation 2165498 (VCV002165498.5), dbSNP rs1345285917, ClinGen allele CA623120853.

ClinVar aggregate classification (germline): Uncertain significance. Review status: criteria provided, multiple submitters, no conflicts (2 of 4 stars). 2 submissions from 2 submitters: Uncertain significance (2). Last evaluated 2025-11-01.

Conditions:
Dyskeratosis congenita, autosomal dominant 6 (DKCA6). Identifiers: Orphanet 3322, MedGen C4225284, MONDO:0014690, OMIM 616553.

Allele frequency attached by ClinVar (database versions not stated): gnomAD exomes below 0.00001; TOPMed 0.00001.

Submissions (2):

Labcorp Genetics (formerly Invitae), Labcorp
Classification: Uncertain significance for Dyskeratosis congenita, autosomal dominant 6. Last evaluated: 2025-11-01. Review status: criteria provided, single submitter. Criteria: Invitae Variant Classification Sherloc (09022015). Collection method: clinical testing. Allele origin: germline.
Comment: This sequence change creates a premature translational stop signal (p.Asp207Glyfs*30) in the ACD gene. It is expected to result in an absent or disrupted protein product. However, the current clinical and genetic evidence is not sufficient to establish whether loss-of-function variants in ACD cause disease. This variant is present in population databases (no rsID available, gnomAD 0.0009%). This variant has not been reported in the literature in individuals affected with ACD-related conditions. ClinVar contains an entry for this variant (Variation ID: 2165498). In summary, the available evidence is currently insufficient to determine the role of this variant in disease. Therefore, it has been classified as a Variant of Uncertain Significance.

Blueprint Genetics
Classification: Uncertain significance. Last evaluated: 2023-08-09. Review status: criteria provided, single submitter. Criteria: ACMG Guidelines, 2015. Collection method: clinical testing. Allele origin: germline.